The following is an entry in ClinVar:

NM_002317.7(LOX):c.1007G>A (p.Arg336Lys)

Genes: LOX (lysyl oxidase; minus strand), SRFBP1 (serum response factor binding protein 1; plus strand). Cytogenetic location: 5q23.1.
Variant type: single nucleotide variant.
Coding change: c.1007G>A on transcript NM_002317.7 (MANE Select); coding-DNA position 1007, G replaced by A.
Protein change: p.Arg336Lys; replaces arginine 336 with lysine.
Molecular consequence: missense variant.
Genome position (GRCh38, 1-based): chr5:122,074,041, C>T on the plus strand (G>A on the coding strand, the complement: LOX is on the minus strand). VCF-style: chr5-122074041-C-T. GRCh37 (hg19) VCF-style: chr5-121409736-C-T.
Other names: c.317G>A, p.Arg106Lys (NM_001178102.2); c.116G>A, p.Arg39Lys (NM_001317073.1); short protein forms R336K, R39K, R106K.
Identifiers: ClinVar variation 2014400 (VCV002014400.4), dbSNP rs757415508, ClinGen allele CA3383885.

ClinVar aggregate classification (germline): Uncertain significance (1 of 4 stars; one submission).

Allele frequency attached by ClinVar (database versions not stated): ExAC 0.00002.

Submission:

Labcorp Genetics (formerly Invitae), Labcorp
Classification: Uncertain significance. Last evaluated: 2022-07-06. Review status: criteria provided, single submitter. Criteria: Invitae Variant Classification Sherloc (09022015). Collection method: clinical testing. Allele origin: germline.
Comment: This variant is not present in population databases (gnomAD no frequency). This sequence change replaces arginine, which is basic and polar, with lysine, which is basic and polar, at codon 336 of the LOX protein (p.Arg336Lys). In summary, the available evidence is currently insufficient to determine the role of this variant in disease. Therefore, it has been classified as a Variant of Uncertain Significance. Algorithms developed to predict the effect of missense changes on protein structure and function are either unavailable or do not agree on the potential impact of this missense change (SIFT: "Not Available"; PolyPhen-2: "Possibly Damaging"; Align-GVGD: "Not Available"). This variant has not been reported in the literature in individuals affected with LOX-related conditions.